The following is an entry in ClinVar:

ClinVar aggregate classification (germline): Conflicting classifications of pathogenicity. Review status: criteria provided, conflicting classifications (1 of 4 stars). 5 submissions from 5 submitters: Pathogenic (1); Likely pathogenic (1); Uncertain significance (2). 1 of the submissions does not count toward it. Last evaluated 2026-04-24.

Conditions:
Familial adenomatous polyposis 1 (FAP1). Also called: FAMILIAL ADENOMATOUS POLYPOSIS 1, ATTENUATED; POLYPOSIS, ADENOMATOUS INTESTINAL. Identifiers: MedGen C2713442, MONDO:0021056, OMIM 175100. Disease mechanism: loss of function.
APC-related disorder. Also called: APC-related condition.
Hereditary cancer-predisposing syndrome. Also called: Tumor predisposition; Hereditary Cancer Syndrome; Neoplastic Syndromes, Hereditary; Hereditary neoplastic syndrome. Identifiers: Orphanet 140162, MedGen C0027672, MeSH D009386, MONDO:0015356.

Submissions (5):

Ambry Genetics
Classification: Pathogenic for Hereditary cancer-predisposing syndrome. Last evaluated: 2026-04-24. Review status: criteria provided, single submitter. Criteria: Ambry Variant Classification Scheme 2023. Collection method: clinical testing. Allele origin: germline.
Comment: The p.E538V pathogenic mutation (also known as c.1613A>T), located in coding exon 12 of the APC gene, results from an A to T substitution at nucleotide position 1613. The glutamic acid at codon 538 is replaced by valine, an amino acid with dissimilar properties. This alteration has been observed in multiple individuals who have a personal and family history that is consistent with APC-related familial adenomatous polyposis and this variant segregates with disease in these families (Ambry internal data; Friedl W et al. Hered Cancer Clin Pract, 2005 Sep;3:95-114; Azzopardi D et al. Cancer Res, 2008 Jan;68:358-63). This nucleotide position is highly conserved in available vertebrate species. In silico splice site analysis predicts that this alteration will not have any significant effect on splicing; however, RNA studies have demonstrated this alteration results in abnormal splicing in the set of samples tested (Ambry internal data). This amino acid position is highly conserved in available vertebrate species. In addition, in silico predictors for this gene do not accurately predict pathogenicity for the missense alteration. This variant is considered to be rare based on population cohorts in the Genome Aggregation Database (gnomAD). Based on the supporting evidence, this variant is interpreted as a disease-causing mutation.

Labcorp Genetics (formerly Invitae), Labcorp
Classification: Uncertain significance for Familial adenomatous polyposis 1. Last evaluated: 2025-02-19. Review status: criteria provided, single submitter. Criteria: Invitae Variant Classification Sherloc (09022015). Collection method: clinical testing. Allele origin: germline.
Comment: This sequence change replaces glutamic acid, which is acidic and polar, with valine, which is neutral and non-polar, at codon 538 of the APC protein (p.Glu538Val). This variant is not present in population databases (gnomAD no frequency). This missense change has been observed in individual(s) with polyposis (PMID: 18199528, 20223039). ClinVar contains an entry for this variant (Variation ID: 619763). Invitae Evidence Modeling of protein sequence and biophysical properties (such as structural, functional, and spatial information, amino acid conservation, physicochemical variation, residue mobility, and thermodynamic stability) indicates that this missense variant is not expected to disrupt APC protein function with a negative predictive value of 95%. In summary, the available evidence is currently insufficient to determine the role of this variant in disease. Therefore, it has been classified as a Variant of Uncertain Significance.

GeneDx
Classification: Likely pathogenic. Last evaluated: 2024-02-11. Review status: criteria provided, single submitter. Criteria: GeneDx Variant Classification Process June 2021. Collection method: clinical testing. Allele origin: germline. Affected: yes.
Comment: In silico analysis supports that this missense variant has a deleterious effect on protein structure/function; Not observed at significant frequency in large population cohorts (gnomAD); This variant is associated with the following publications: (PMID: 18199528, 21859464, 25525159, 20223039)

Quest Diagnostics Nichols Institute San Juan Capistrano
Classification: Uncertain significance. Last evaluated: 2018-01-19. Review status: criteria provided, single submitter. Criteria: Quest Diagnostics criteria. Collection method: clinical testing. Allele origin: germline.

PreventionGenetics, part of Exact Sciences
Classification: Uncertain significance for APC-related condition. Last evaluated: 2023-11-30. Review status: no assertion criteria provided. Collection method: clinical testing. Allele origin: germline. Not counted in ClinVar's aggregate classification.
Comment: The APC c.1613A>T variant is predicted to result in the amino acid substitution p.Glu538Val. This variant has been reported in individuals with familial adenomatous polyposis or colorectal adenomas (Friedl et al. 2005. PubMed ID: 20223039; Azzopardi et al. 2008. PubMed ID: 18199528). This variant has not been reported in a large population database, indicating this variant is rare. This variant has conflicting interpretations in ClinVar including pathogenic and uncertain. Although we suspect that this variant may be pathogenic, at this time, the clinical significance of this variant is uncertain due to the absence of conclusive functional and genetic evidence.

Literature cited by the submitters: PubMed 18199528 (cited by Ambry Genetics and Labcorp Genetics (formerly Invitae), Labcorp); PubMed 20223039 (cited by Ambry Genetics and Labcorp Genetics (formerly Invitae), Labcorp).

NM_000038.6(APC):c.1613A>T (p.Glu538Val)

Gene: APC (APC regulator of Wnt signaling pathway; plus strand). Cytogenetic location: 5q22.2.
Variant type: single nucleotide variant.
Coding change: c.1613A>T on transcript NM_000038.6 (MANE Select); coding-DNA position 1613, A replaced by T.
Protein change: p.Glu538Val; replaces glutamic acid 538 with valine.
Molecular consequence: missense variant.
Genome position (GRCh38, 1-based): chr5:112,827,993, A>T. VCF-style: chr5-112827993-A-T. GRCh37 (hg19) VCF-style: chr5-112163690-A-T.
Other names: c.1613A>T, p.Glu538Val (NM_001127510.3, NM_001354895.2); c.1559A>T, p.Glu520Val (NM_001127511.3); c.1667A>T, p.Glu556Val (NM_001354896.2); c.1643A>T, p.Glu548Val (NM_001354897.2); c.1538A>T, p.Glu513Val (NM_001354898.2); c.1529A>T, p.Glu510Val (NM_001354899.2); c.1490A>T, p.Glu497Val (NM_001354900.2); c.1436A>T, p.Glu479Val (NM_001354901.2); and 5 more; short protein forms E520V, E538V, E447V, E479V, E513V, E556V, E497V, E255V.
Identifiers: ClinVar variation 619763 (VCV000619763.18), dbSNP rs1561555761, ClinGen allele CA16024829.
Genomic context (GRCh38, chr5:112,827,993, plus strand): 5'-CGCTATGCTCTATGAAAGGCTGCATGAGAGCACTTGTGGCCCAACTAAAATCTGAAAGTG[A>T]AGACTTACAGCAGGTACTATTTAGAATTTCACCTGTTTTTCTTTTTTCTCTTTTTCTTTG-3'
Protein context (NP_000029.2, residues 528-548): ALVAQLKSES[Glu538Val]DLQQVIASVL